The following is an entry in ClinVar:

NM_000038.6(APC):c.3975A>C (p.Ala1325=)

Gene: APC (APC regulator of Wnt signaling pathway; plus strand). Cytogenetic location: 5q22.2.
Variant type: single nucleotide variant.
Coding change: c.3975A>C on transcript NM_000038.6 (MANE Select); coding-DNA position 3975, A replaced by C.
Protein change: p.Ala1325=; no amino-acid change (alanine 1325 retained).
Molecular consequence: synonymous variant. On other transcripts: non-coding transcript variant (2).
Genome position (GRCh38, 1-based): chr5:112,839,569, A>C. VCF-style: chr5-112839569-A-C. GRCh37 (hg19) VCF-style: chr5-112175266-A-C.
Other names: c.3975A>C (NM_000038.5); c.3975A>C, p.Ala1325= (NM_001127510.3, NM_001354895.2, NM_001407450.1); c.3921A>C, p.Ala1307= (NM_001127511.3); c.4029A>C, p.Ala1343= (NM_001354896.2, NM_001407447.1, NM_001407448.1 and 1 more transcripts); c.4005A>C, p.Ala1335= (NM_001354897.2); c.3900A>C, p.Ala1300= (NM_001354898.2); c.3891A>C, p.Ala1297= (NM_001354899.2); c.3852A>C, p.Ala1284= (NM_001354900.2); and 12 more.
Identifiers: ClinVar variation 3148092 (VCV003148092.2), dbSNP rs2149903274, ClinGen allele CA445963976.

ClinVar aggregate classification (germline): Benign/Likely benign. Review status: criteria provided, multiple submitters, no conflicts (2 of 4 stars). 2 submissions from 2 submitters: Benign (1); Likely benign (1). Last evaluated 2026-02-10.

Conditions:
Familial adenomatous polyposis 1 (FAP1). Also called: FAMILIAL ADENOMATOUS POLYPOSIS 1, ATTENUATED; POLYPOSIS, ADENOMATOUS INTESTINAL. Identifiers: MedGen C2713442, MONDO:0021056, OMIM 175100. Disease mechanism: loss of function.
Hereditary cancer-predisposing syndrome. Also called: Tumor predisposition; Hereditary Cancer Syndrome; Hereditary neoplastic syndrome; Neoplastic Syndromes, Hereditary. Identifiers: Orphanet 140162, MedGen C0027672, MeSH D009386, MONDO:0015356.

Submissions (2):

Ambry Genetics
Classification: Likely benign for Hereditary cancer-predisposing syndrome. Last evaluated: 2026-02-10. Review status: criteria provided, single submitter. Criteria: Ambry Variant Classification Scheme 2023. Collection method: clinical testing. Allele origin: germline.

Myriad Genetics, Inc.
Classification: Benign for Familial adenomatous polyposis 1. Last evaluated: 2024-03-25. Review status: criteria provided, single submitter. Criteria: Myriad Autosomal Dominant, Autosomal Recessive and X-Linked Classification Criteria (2023). Collection method: clinical testing. Allele origin: unknown.
Comment: This variant is considered benign. This variant is a silent/synonymous amino acid change and it is not expected to impact splicing.